The following is an entry in ClinVar:

ClinVar aggregate classification (germline): Benign/Likely benign. Review status: criteria provided, multiple submitters, no conflicts (2 of 4 stars). 3 submissions from 3 submitters: Benign (1); Likely benign (2). Last evaluated 2026-04-13.

Conditions:
Hereditary cancer-predisposing syndrome. Also called: Hereditary neoplastic syndrome; Neoplastic Syndromes, Hereditary; Tumor predisposition; Hereditary Cancer Syndrome. Identifiers: Orphanet 140162, MedGen C0027672, MeSH D009386, MONDO:0015356.
Hereditary diffuse gastric adenocarcinoma (HDGC). Also called: DIFFUSE GASTRIC AND LOBULAR BREAST CANCER SYNDROME. Identifiers: Orphanet 26106, MedGen C1708349, MONDO:0007648, OMIM 137215.

gnomAD v4.1: 20 of 1,613,892 alleles (0.0012%); highest among the groups gnomAD compares: Non-Finnish European, 0.0016%; no homozygotes.

Submissions (3):

Ambry Genetics
Classification: Likely benign for Hereditary cancer-predisposing syndrome. Last evaluated: 2026-04-13. Review status: criteria provided, single submitter. Criteria: Ambry Variant Classification Scheme 2023. Collection method: clinical testing. Allele origin: germline.

Labcorp Genetics (formerly Invitae), Labcorp
Classification: Likely benign. Last evaluated: 2025-09-24. Review status: criteria provided, single submitter. Criteria: Invitae Variant Classification Sherloc (09022015). Collection method: clinical testing. Allele origin: germline.

Myriad Genetics, Inc.
Classification: Benign for Hereditary diffuse gastric adenocarcinoma. Last evaluated: 2024-10-09. Review status: criteria provided, single submitter. Criteria: Myriad Autosomal Dominant, Autosomal Recessive and X-Linked Classification Criteria (2023). Collection method: clinical testing. Allele origin: unknown.
Comment: This variant is considered benign. This variant is a silent/synonymous amino acid change and it is not expected to impact splicing.

NM_001903.5(CTNNA1):c.159T>G (p.Gly53=)

Gene: CTNNA1 (catenin alpha 1; plus strand). Cytogenetic location: 5q31.2.
Variant type: single nucleotide variant.
Coding change: c.159T>G on transcript NM_001903.5 (MANE Select); coding-DNA position 159, T replaced by G.
Protein change: p.Gly53=; no amino-acid change (glycine 53 retained).
Molecular consequence: synonymous variant. On other transcripts: 5 prime UTR variant (1), intron variant (1).
Genome position (GRCh38, 1-based): chr5:138,783,230, T>G. VCF-style: chr5-138783230-T-G. GRCh37 (hg19) VCF-style: chr5-138118919-T-G.
Other names: c.159T>G (NM_001903.2); c.159T>G, p.Gly53= (NM_001290307.3, NM_001323982.2, NM_001323983.1 and 3 more transcripts); c.-48T>G (NM_001290310.3); c.-9+1201T>G (NM_001290309.3).
Identifiers: ClinVar variation 1097320 (VCV001097320.11), dbSNP rs2149656284, ClinGen allele CA446725088.